The following is an entry in ClinVar:

NM_015046.7(SETX):c.1034A>T (p.Tyr345Phe)

Gene: SETX (senataxin; minus strand). Cytogenetic location: 9q34.13.
Variant type: single nucleotide variant.
Coding change: c.1034A>T on transcript NM_015046.7 (MANE Select); coding-DNA position 1034, A replaced by T.
Protein change: p.Tyr345Phe; replaces tyrosine 345 with phenylalanine.
Molecular consequence: missense variant.
Genome position (GRCh38, 1-based): chr9:132,331,116, T>A on the plus strand (A>T on the coding strand, the complement: SETX is on the minus strand). VCF-style: chr9-132331116-T-A. GRCh37 (hg19) VCF-style: chr9-135206503-T-A.
Other names: c.1034A>T, p.Tyr345Phe (NM_001351527.2, NM_001351528.2); short protein forms Y345F.
Identifiers: ClinVar variation 2952611 (VCV002952611.6), dbSNP rs367824771, ClinGen allele CA5297851.

ClinVar aggregate classification (germline): Conflicting classifications of pathogenicity. Review status: criteria provided, conflicting classifications (1 of 4 stars). 3 submissions from 3 submitters: Uncertain significance (2); Likely benign (1). Last evaluated 2025-03-11.

Conditions:
Inborn genetic diseases. Identifiers: MedGen C0950123, MeSH D030342.
Spinocerebellar ataxia, autosomal recessive, with axonal neuropathy 2 (SCAN2). Also called: ATAXIA-OCULOMOTOR APRAXIA 2; Ataxia-ocular apraxia-2; Ataxia with Oculomotor Apraxia; Ataxia with Oculomotor Apraxia Type 2. Identifiers: Orphanet 64753, MedGen C1853761, MONDO:0018996, OMIM 606002.
Amyotrophic lateral sclerosis type 4 (ALS4). Also called: AMYOTROPHIC LATERAL SCLEROSIS 4, JUVENILE; NEURONOPATHY, DISTAL HEREDITARY MOTOR, WITH PYRAMIDAL FEATURES. Identifiers: Orphanet 357043, MedGen C1865409, MONDO:0011223, OMIM 602433.

Submissions (3):

Dasa
Classification: Uncertain significance. Last evaluated: 2025-03-11. Review status: criteria provided, single submitter. Criteria: DASA Assertion Criteria. Collection method: clinical testing. Allele origin: germline.
Comment: NM_015046.7(SETX):c.1034A>T (p.Tyr345Phe) is a missense variant that results in the substitution of tyrosine with phenylalanine. This variant is rare in population databases. Computational prediction algorithms are consistent with a benign effect. The currently available literature and clinical evidence are not sufficient to establish a definitive association between this variant and the reported condition. Therefore, this variant is classified as a variant of uncertain significance.

Ambry Genetics
Classification: Uncertain significance for Inborn genetic diseases. Last evaluated: 2025-02-12. Review status: criteria provided, single submitter. Criteria: Ambry Variant Classification Scheme 2023. Collection method: clinical testing. Allele origin: germline.

Labcorp Genetics (formerly Invitae), Labcorp
Classification: Likely benign for Amyotrophic lateral sclerosis type 4; Spinocerebellar ataxia, autosomal recessive, with axonal neuropathy 2. Last evaluated: 2024-10-30. Review status: criteria provided, single submitter. Criteria: Invitae Variant Classification Sherloc (09022015). Collection method: clinical testing. Allele origin: germline.